The following is an entry in ClinVar:

NM_022132.5(MCCC2):c.1128_1129del (p.Phe377_Ser378insTer)

Gene: MCCC2 (methylcrotonyl-CoA carboxylase subunit 2; plus strand). Cytogenetic location: 5q13.2.
Variant type: Microsatellite.
Coding change: c.1128_1129del on transcript NM_022132.5 (MANE Select); coding-DNA positions 1128 to 1129, 2 bases deleted (CT; older notation c.1128_1129delCT).
Protein change: p.Phe377_Ser378insTer.
Molecular consequence: frameshift variant.
Genome position (GRCh38, 1-based): chr5:71,643,874-71,643,875, CT deleted; deleting any 2 consecutive bases within chr5:71,643,871-71,643,875 gives the same sequence; the c. name uses the placement nearest the transcript's 3' end. VCF-style (leftmost placement, unchanged base first): chr5-71643870-TTC-T. GRCh37 (hg19) VCF-style: chr5-70939697-TTC-T.
Other names: c.1014_1015del, p.Phe339_Ser340insTer (NM_001363147.1).
Identifiers: ClinVar variation 3621955 (VCV003621955.2).

ClinVar aggregate classification (germline): Pathogenic (1 of 4 stars; one submission).

Conditions:
3-methylcrotonyl-CoA carboxylase 2 deficiency. Also called: METHYLCROTONYLGLYCINURIA, TYPE II; 3 alpha methylcrotonyl-CoA carboxylase 2 deficiency; 3 alpha methylcrotonylglycinuria 2; MCC 2 deficiency; Methylcrotonylglycinuria type 2. Identifiers: Orphanet 6, MedGen C1859499, MONDO:0008862, OMIM 210210.

Submission:

Labcorp Genetics (formerly Invitae), Labcorp
Classification: Pathogenic for 3-methylcrotonyl-CoA carboxylase 2 deficiency. Last evaluated: 2024-03-06. Review status: criteria provided, single submitter. Criteria: Invitae Variant Classification Sherloc (09022015). Collection method: clinical testing. Allele origin: germline.
Comment: This sequence change creates a premature translational stop signal (p.Ser378*) in the MCCC2 gene. It is expected to result in an absent or disrupted protein product. Loss-of-function variants in MCCC2 are known to be pathogenic (PMID: 11181649, 22642865). This variant is not present in population databases (gnomAD no frequency). This variant has not been reported in the literature in individuals affected with MCCC2-related conditions. For these reasons, this variant has been classified as Pathogenic.

Literature cited by the submitters: PubMed 11181649; PubMed 22642865.